The following is an entry in ClinVar:

ClinVar aggregate classification (germline): Pathogenic (1 of 4 stars; one submission).

Conditions:
Peutz-Jeghers syndrome (PJS). Also called: POLYPOSIS, HAMARTOMATOUS INTESTINAL; POLYPS-AND-SPOTS SYNDROME; Peutz-Jeghers polyposis; Periorificial lentiginosis syndrome. Identifiers: Orphanet 2869, MedGen C0031269, MeSH D010580, MONDO:0008280, OMIM 175200.

Submission:

Labcorp Genetics (formerly Invitae), Labcorp
Classification: Pathogenic for Peutz-Jeghers syndrome. Last evaluated: 2023-05-15. Review status: criteria provided, single submitter. Criteria: Invitae Variant Classification Sherloc (09022015). Collection method: clinical testing. Allele origin: unknown.
Comment: For these reasons, this variant has been classified as Pathogenic. This variant has not been reported in the literature in individuals affected with STK11-related conditions. This variant is a gross deletion of the genomic region encompassing exon(s) 1-5 of the STK11 gene, which includes the initiator codon. This deletion extends beyond the assayed region for this gene and therefore may encompass additional genes. It is expected to result in an absent or disrupted protein product. Loss-of-function variants in STK11 are known to be pathogenic (PMID: 15188174, 16287113).

Literature cited by the submitters: PubMed 15188174; PubMed 16287113.

NC_000019.9:g.(?_1206913)_(1220726_?)del

Gene: STK11 (serine/threonine kinase 11; plus strand). Cytogenetic location: 19p13.3.
Variant type: Deletion.
Identifiers: ClinVar variation 3248408 (VCV003248408.1).